The following is an entry in ClinVar:

ClinVar aggregate classification (germline): Likely pathogenic (1 of 4 stars; one submission).

Submission:

GeneDx
Classification: Likely pathogenic. Last evaluated: 2017-08-04. Review status: criteria provided, single submitter. Criteria: GeneDx Variant Classification (06012015). Collection method: clinical testing. Allele origin: germline. Affected: yes.
Comment: The L199F (c.597 G>C) variant in the LZTR1 gene has not been reported previously as a pathogenic variant nor as a benign variant, to our knowledge. The c.597 G>C variant is not observed in large population cohorts (Lek et al., 2016; 1000 Genomes Consortium et al., 2015; Exome Variant Server). In-silico splice algorithms are inconclusive; c.597 G>C may enhance a weaker cryptic splice donor site upstream to the natural splice donor site and create a new weaker cryptic splice acceptor site upstream to the natural splice acceptor site. However, in the absence of RNA/functional studies, the actual effect of the c.597 G>C change in this individual is unknown. If c.597 G>C does not alter splicing, it will result in the L199F missense change. The L199F variant is a conservative amino acid substitution, which occurs at a position that is conserved across species. In silico analysis predicts the L199F missense variant is probably damaging to the protein structure/function. Therefore, we interpret L199F (c.597 G>C) as a likely pathogenic variant. This variant was observed in individuals with clinical features consistent with a RASopathy. Clinical features observed in patients with this variant include autism, ptosis, brittle hair, developmental delay and/or pulmonic stenosis. This variant has been confirmed de novo in at least 1 individual tested at GeneDx.

NM_006767.4(LZTR1):c.597G>C (p.Leu199Phe)

Gene: LZTR1 (leucine zipper like transcription regulator 1; plus strand). Cytogenetic location: 22q11.21.
Variant type: single nucleotide variant.
Coding change: c.597G>C on transcript NM_006767.4 (MANE Select); coding-DNA position 597, G replaced by C.
Protein change: p.Leu199Phe; replaces leucine 199 with phenylalanine.
Molecular consequence: missense variant.
Genome position (GRCh38, 1-based): chr22:20,989,628, G>C. VCF-style: chr22-20989628-G-C. GRCh37 (hg19) VCF-style: chr22-21343917-G-C.
Other names: short protein forms L199F.
Identifiers: ClinVar variation 546579 (VCV000546579.2), dbSNP rs1555927827, ClinGen allele CA410780274.